The following is an entry in ClinVar:

NM_173728.4(ARHGEF15):c.2294A>C (p.Glu765Ala)

Gene: ARHGEF15 (Rho guanine nucleotide exchange factor 15; plus strand). Cytogenetic location: 17p13.1.
Variant type: single nucleotide variant.
Coding change: c.2294A>C on transcript NM_173728.4 (MANE Select); coding-DNA position 2294, A replaced by C.
Protein change: p.Glu765Ala; replaces glutamic acid 765 with alanine.
Molecular consequence: missense variant.
Genome position (GRCh38, 1-based): chr17:8,319,523, A>C. VCF-style: chr17-8319523-A-C. GRCh37 (hg19) VCF-style: chr17-8222841-A-C.
Other names: c.2294A>C (NM_173728.3); c.2294A>C, p.Glu765Ala (NM_025014.2); short protein forms E765A.
Identifiers: ClinVar variation 2688593 (VCV002688593.3), dbSNP rs1161952926, ClinGen allele CA398025718.
Genomic context (GRCh38, chr17:8,319,523, plus strand): 5'-AACAGAATCACTTTAATGTCACCCACCCCCAACCAGACTGTTCCCAGGAACTGTGTTCAG[A>C]GTCGTCTGCACCTGCCAAGACTGAAGGACGGAGTCTGGAGTCCAGGGCTGCCCCCAAACA-3'
Protein context (NP_776089.2, residues 755-775): DCDCSQELCS[Glu765Ala]SSAPAKTEGR

ClinVar aggregate classification (germline): Uncertain significance. Review status: criteria provided, multiple submitters, no conflicts (2 of 4 stars). 2 submissions from 2 submitters: Uncertain significance (2). Last evaluated 2025-11-03.

Allele frequency attached by ClinVar (database versions not stated): gnomAD exomes below 0.00001.
gnomAD v4.1: 1 of 1,610,244 alleles (0.000062%); highest among the groups gnomAD compares: Non-Finnish European, 0.000085%; no homozygotes.

Submissions (2):

Ambry Genetics
Classification: Uncertain significance. Last evaluated: 2025-11-03. Review status: criteria provided, single submitter. Criteria: Ambry Variant Classification Scheme 2023. Collection method: clinical testing. Allele origin: germline.
Comment: The c.2294A>C (p.E765A) alteration is located in exon 15 (coding exon 14) of the ARHGEF15 gene. This alteration results from a A to C substitution at nucleotide position 2294, causing the glutamic acid (E) at amino acid position 765 to be replaced by an alanine (A). Based on data from gnomAD, the C allele has an overall frequency of <0.001% (1/247496) total alleles studied. The highest observed frequency was 0.001% (1/112242) of European (non-Finnish) alleles. Based on insufficient or conflicting evidence, the clinical significance of this alteration remains unclear.

Revvity Omics, Revvity
Classification: Uncertain significance. Last evaluated: 2021-12-07. Review status: criteria provided, single submitter. Criteria: ACMG Guidelines, 2015. Collection method: clinical testing. Allele origin: germline.